The following is an entry in ClinVar:

NM_152296.5(ATP1A3):c.994-1G>A

Gene: ATP1A3 (ATPase Na+/K+ transporting subunit alpha 3; minus strand). Cytogenetic location: 19q13.2.
Variant type: single nucleotide variant.
Coding change: c.994-1G>A on transcript NM_152296.5 (MANE Select); the canonical splice acceptor site of the intron before coding-DNA position 994, G replaced by A.
Molecular consequence: splice acceptor variant.
Genome position (GRCh38, 1-based): chr19:41,982,107, C>T on the plus strand (G>A on the coding strand, the complement: ATP1A3 is on the minus strand). VCF-style: chr19-41982107-C-T. GRCh37 (hg19) VCF-style: chr19-42486259-C-T.
Other names: c.1033-1G>A (NM_001256214.2); c.1027-1G>A (NM_001256213.2).
Identifiers: ClinVar variation 2772581 (VCV002772581.3), dbSNP rs2514066934, ClinGen allele CA406051795.

ClinVar aggregate classification (germline): Likely pathogenic (1 of 4 stars; one submission).

Conditions:
Dystonia 12 (DYT12). Also called: Rapid-Onset Dystonia-Parkinsonism (RDP); DYT-ATP1A3. Identifiers: Orphanet 71517, MedGen C1868681, MONDO:0007496, OMIM 128235.

Submission:

Labcorp Genetics (formerly Invitae), Labcorp
Classification: Likely pathogenic for Dystonia 12. Last evaluated: 2023-12-16. Review status: criteria provided, single submitter. Criteria: Invitae Variant Classification Sherloc (09022015). Collection method: clinical testing. Allele origin: germline.
Comment: This sequence change affects an acceptor splice site in intron 8 of the ATP1A3 gene. It is expected to disrupt RNA splicing. Variants that disrupt the donor or acceptor splice site typically lead to a loss of protein function (PMID: 16199547), and loss-of-function variants in ATP1A3 are known to be pathogenic (PMID: 24631656, 24983657). This variant is not present in population databases (gnomAD no frequency). This variant has not been reported in the literature in individuals affected with ATP1A3-related conditions. Algorithms developed to predict the effect of sequence changes on RNA splicing suggest that this variant may disrupt the consensus splice site. In summary, the currently available evidence indicates that the variant is pathogenic, but additional data are needed to prove that conclusively. Therefore, this variant has been classified as Likely Pathogenic.

Literature cited by the submitters: PubMed 16199547; PubMed 24631656; PubMed 24983657.